The following is an entry in ClinVar:

NM_013275.6(ANKRD11):c.3625A>G (p.Lys1209Glu)

Gene: ANKRD11 (ankyrin repeat domain containing 11; minus strand). Cytogenetic location: 16q24.3.
Variant type: single nucleotide variant.
Coding change: c.3625A>G on transcript NM_013275.6 (MANE Select); coding-DNA position 3625, A replaced by G.
Protein change: p.Lys1209Glu; replaces lysine 1209 with glutamic acid.
Molecular consequence: missense variant.
Genome position (GRCh38, 1-based): chr16:89,282,917, T>C on the plus strand (A>G on the coding strand, the complement: ANKRD11 is on the minus strand). VCF-style: chr16-89282917-T-C. GRCh37 (hg19) VCF-style: chr16-89349325-T-C.
Other names: c.3625A>G, p.Lys1209Glu (NM_001256182.2, NM_001256183.2); short protein forms K1209E.
Identifiers: ClinVar variation 452432 (VCV000452432.2), dbSNP rs866638426, ClinGen allele CA397159378.

ClinVar aggregate classification (germline): Uncertain significance (1 of 4 stars; one submission).

Allele frequency attached by ClinVar (database versions not stated): TOPMed below 0.00001 and 0.00001; gnomAD exomes below 0.00001.
gnomAD v4.1: 1 of 1,613,318 alleles (0.000062%); highest among the groups gnomAD compares: African/African-American, 0.0013%; no homozygotes.

Submission:

GeneDx
Classification: Uncertain significance. Last evaluated: 2017-10-03. Review status: criteria provided, single submitter. Criteria: GeneDx Variant Classification (06012015). Collection method: clinical testing. Allele origin: germline. Affected: yes.
Comment: The K1209E variant has not been published as a pathogenic variant, nor has it been reported as a benign variant to our knowledge. The K1209E variant is observed in 1/15256 (0.007%) alleles from individuals of African background (Lek et al., 2016). The K1209E variant is a non-conservative amino acid substitution, which is likely to impact secondary protein structure as these residues differ in polarity, charge, size and/or other properties. However, this substitution occurs at a position that is not conserved. In silico analysis is inconsistent in its predictions as to whether or not the variant is damaging to the protein structure/function. Therefore, based on the currently available information, it is unclear whether this variant is a pathogenic variant or a rare benign variant.